The following is an entry in ClinVar:

NM_000540.3(RYR1):c.5713G>T (p.Asp1905Tyr)

Gene: RYR1 (ryanodine receptor 1; plus strand). Cytogenetic location: 19q13.2.
Variant type: single nucleotide variant.
Coding change: c.5713G>T on transcript NM_000540.3 (MANE Select); coding-DNA position 5713, G replaced by T.
Protein change: p.Asp1905Tyr; replaces aspartic acid 1905 with tyrosine.
Molecular consequence: missense variant.
Genome position (GRCh38, 1-based): chr19:38,489,342, G>T. VCF-style: chr19-38489342-G-T. GRCh37 (hg19) VCF-style: chr19-38979982-G-T.
Other names: c.5713G>T, p.Asp1905Tyr (NM_001042723.2); short protein forms D1905Y.
Identifiers: ClinVar variation 3387753 (VCV003387753.2).

ClinVar aggregate classification (germline): Uncertain significance. Review status: criteria provided, multiple submitters, no conflicts (2 of 4 stars). 2 submissions from 2 submitters: Uncertain significance (2). Last evaluated 2026-01-09.

Conditions:
Malignant hyperthermia, susceptibility to, 1 (MHS1). Also called: Anesthesia related hyperthermia; Malignant hyperpyrexia; Fulminating hyperpyrexia; Pharmacogenic myopathy; RYR1-Related Malignant Hyperthermia Susceptibility; Malignant hyperthermia suceptibility 1. Identifiers: Orphanet 423, MedGen C2930980, MONDO:0007783, OMIM 145600.
RYR1-related disorder. Also called: RYR1-related disorders; RYR1-related condition. Identifiers: MedGen CN239331.

Submissions (2):

Labcorp Genetics (formerly Invitae), Labcorp
Classification: Uncertain significance for RYR1-related disorder. Last evaluated: 2026-01-09. Review status: criteria provided, single submitter. Criteria: Invitae Variant Classification Sherloc (09022015). Collection method: clinical testing. Allele origin: germline.
Comment: This sequence change replaces aspartic acid, which is acidic and polar, with tyrosine, which is neutral and polar, at codon 1905 of the RYR1 protein (p.Asp1905Tyr). This variant is not present in population databases (gnomAD no frequency). This variant has not been reported in the literature in individuals affected with RYR1-related conditions. ClinVar contains an entry for this variant (Variation ID: 3387753). Invitae Evidence Modeling of protein sequence and biophysical properties (such as structural, functional, and spatial information, amino acid conservation, physicochemical variation, residue mobility, and thermodynamic stability) indicates that this missense variant is not expected to disrupt RYR1 protein function with a negative predictive value of 95%. In summary, the available evidence is currently insufficient to determine the role of this variant in disease. Therefore, it has been classified as a Variant of Uncertain Significance.

All of Us Research Program, National Institutes of Health
Classification: Uncertain significance for Malignant hyperthermia, susceptibility to, 1. Last evaluated: 2024-03-24. Review status: criteria provided, single submitter. Criteria: ACMG Guidelines, 2015. Collection method: clinical testing. Allele origin: germline. Inheritance: Autosomal dominant inheritance. Observed: 1 variant allele, 1 heterozygote.
Comment: This missense variant replaces aspartic acid with tyrosine at codon 1905 of the RYR1 protein. Computational prediction suggests that this variant may not impact protein structure and function (internally defined REVEL score threshold <= 0.5, PMID: 27666373). To our knowledge, functional studies have not been reported for this variant. This variant has not been reported in individuals affected with RYR1-related disorders in the literature. This variant has not been identified in the general population by the Genome Aggregation Database (gnomAD). The available evidence is insufficient to determine the role of this variant in disease conclusively. Therefore, this variant is classified as a Variant of Uncertain Significance.

This study involves interpretation of variants in research participants for the purpose of population health screening. Participant phenotype was not available at the time of variant classification. Additional details can be found in publication PMID: 35346344, PMCID: PMC8962531